The following is an entry in ClinVar:

NM_018995.3(MOV10L1):c.1410G>A (p.Ala470=)

Gene: MOV10L1 (Mov10 like RNA helicase 1; plus strand). Cytogenetic location: 22q13.33.
Variant type: single nucleotide variant.
Coding change: c.1410G>A on transcript NM_018995.3 (MANE Select); coding-DNA position 1410, G replaced by A.
Protein change: p.Ala470=; no amino-acid change (alanine 470 retained).
Molecular consequence: synonymous variant.
Genome position (GRCh38, 1-based): chr22:50,117,307, G>A. VCF-style: chr22-50117307-G-A. GRCh37 (hg19) VCF-style: chr22-50555736-G-A.
Other names: c.1410G>A, p.Ala470= (NM_001164104.2); c.1350G>A, p.Ala450= (NM_001164105.2).
Identifiers: ClinVar variation 2653364 (VCV002653364.24), dbSNP rs778485550, ClinGen allele CA10304257.

ClinVar aggregate classification (germline): Likely benign (1 of 4 stars; one submission).

Allele frequency attached by ClinVar (database versions not stated): ExAC 0.00001; TOPMed 0.00001; gnomAD 0.00003.
gnomAD v4.1: 11 of 1,613,946 alleles (0.00068%); highest among the groups gnomAD compares: African/African-American, 0.008%; no homozygotes.

Submission:

CeGaT Center for Human Genetics Tuebingen
Classification: Likely benign. Last evaluated: 2023-01-01. Review status: criteria provided, single submitter. Criteria: CeGaT Center For Human Genetics Tuebingen Variant Classification Criteria Version 2. Collection method: clinical testing. Allele origin: germline. Affected: yes. Observed: 1 variant allele.
Comment: MOV10L1: BP4, BP7